The following is an entry in ClinVar:

NM_001035.3(RYR2):c.3214+7T>G

Gene: RYR2 (ryanodine receptor 2; plus strand). Cytogenetic location: 1q43.
Variant type: single nucleotide variant.
Coding change: c.3214+7T>G on transcript NM_001035.3 (MANE Select); 7 bases into the intron after coding-DNA position 3214, T replaced by G.
Molecular consequence: intron variant.
Genome position (GRCh38, 1-based): chr1:237,550,698, T>G. VCF-style: chr1-237550698-T-G. GRCh37 (hg19) VCF-style: chr1-237713998-T-G.
Other names: c.3214+7T>G (LRG_402t1).
Identifiers: ClinVar variation 514707 (VCV000514707.25), dbSNP rs748941127, ClinGen allele CA086329.
Genomic context (GRCh38, chr1:237,550,698, plus strand): 5'-TGCGCACGCTGCTGGGGTACGGCTACAACTTGGAAGCACCAGATCAAGATCATGGTATTT[T>G]GGTTTTACTTTCCTCTTCTTCGGTTGCAAGATGATGTAGTAGTTCTTTAAAGCCAAATAA-3'

ClinVar aggregate classification (germline): Likely benign. Review status: criteria provided, multiple submitters, no conflicts (2 of 4 stars). 3 submissions from 3 submitters: Likely benign (3). Last evaluated 2025-05-26.

Conditions:
Ventricular arrhythmias due to cardiac ryanodine receptor calcium release deficiency syndrome. Also called: Autosomal dominant cardiac arrhythmia (Kuhn). Identifiers: MedGen C5542154, MONDO:0020745, OMIM 115000.
Catecholaminergic polymorphic ventricular tachycardia 1. Also called: RYR2-Related Catecholaminergic Polymorphic Ventricular Tachycardia; VENTRICULAR TACHYCARDIA, CATECHOLAMINERGIC POLYMORPHIC, 1, WITH OR WITHOUT ATRIAL DYSFUNCTION AND/OR DILATED CARDIOMYOPATHY; VENTRICULAR TACHYCARDIA, STRESS-INDUCED POLYMORPHIC 1. Identifiers: Orphanet 3286, MedGen C1631597, MONDO:0011484, OMIM 604772.
Arrhythmogenic right ventricular dysplasia 2. Identifiers: MedGen C1832931.

Allele frequency attached by ClinVar (database versions not stated): TOPMed 0.00002; gnomAD 0.00003; gnomAD exomes 0.00003 and 0.00005; ExAC 0.00009.
gnomAD v4.1: 43 of 1,540,312 alleles (0.0028%); highest among the groups gnomAD compares: Non-Finnish European, 0.0027%; no homozygotes.

Submissions (3):

Labcorp Genetics (formerly Invitae), Labcorp
Classification: Likely benign for Catecholaminergic polymorphic ventricular tachycardia 1. Last evaluated: 2025-05-26. Review status: criteria provided, single submitter. Criteria: Invitae Variant Classification Sherloc (09022015). Collection method: clinical testing. Allele origin: germline.

Fulgent Genetics
Classification: Likely benign for Ventricular arrhythmias due to cardiac ryanodine receptor calcium release deficiency syndrome; Catecholaminergic polymorphic ventricular tachycardia 1. Last evaluated: 2021-08-18. Review status: criteria provided, single submitter. Criteria: ACMG Guidelines, 2015. Collection method: clinical testing. Allele origin: unknown.

GeneDx
Classification: Likely benign. Last evaluated: 2018-01-11. Review status: criteria provided, single submitter. Criteria: GeneDx Variant Classification (06012015). Collection method: clinical testing. Allele origin: germline. Affected: yes.
Comment: This variant is considered likely benign or benign based on one or more of the following criteria: it is a conservative change, it occurs at a poorly conserved position in the protein, it is predicted to be benign by multiple in silico algorithms, and/or has population frequency not consistent with disease.